The following is an entry in ClinVar:

NM_000083.3(CLCN1):c.433+4G>T

Gene: CLCN1 (chloride voltage-gated channel 1; plus strand). Cytogenetic location: 7q34.
Variant type: single nucleotide variant.
Coding change: c.433+4G>T on transcript NM_000083.3 (MANE Select); 4 bases into the intron after coding-DNA position 433, G replaced by T.
Molecular consequence: intron variant.
Genome position (GRCh38, 1-based): chr7:143,320,799, G>T. VCF-style: chr7-143320799-G-T. GRCh37 (hg19) VCF-style: chr7-143017892-G-T.
Identifiers: ClinVar variation 1985839 (VCV001985839.3), dbSNP rs1347251164, ClinGen allele CA578444426.

ClinVar aggregate classification (germline): Uncertain significance (1 of 4 stars; one submission).

Conditions:
Congenital myotonia, autosomal recessive form. Also called: BECKER DISEASE; Becker Generalized Myotonia; myotonia congenita, autosomal recessive. Identifiers: Orphanet 614, MedGen C0751360, MONDO:0009715, OMIM 255700.
Congenital myotonia, autosomal dominant form (THD). Also called: THOMSEN DISEASE; Myotonia congenita autosomal dominant. Identifiers: Orphanet 614, MedGen C2936781, MONDO:0008055, OMIM 160800.

Allele frequency attached by ClinVar (database versions not stated): TOPMed 0.00002; gnomAD 0.00003; gnomAD exomes 0.00003.
gnomAD v4.1: 50 of 1,613,882 alleles (0.0031%); highest among the groups gnomAD compares: Non-Finnish European, 0.004%; no homozygotes.

Submission:

Labcorp Genetics (formerly Invitae), Labcorp
Classification: Uncertain significance for Congenital myotonia, autosomal recessive form; Congenital myotonia, autosomal dominant form. Last evaluated: 2024-10-22. Review status: criteria provided, single submitter. Criteria: Invitae Variant Classification Sherloc (09022015). Collection method: clinical testing. Allele origin: germline.
Comment: This sequence change falls in intron 3 of the CLCN1 gene. It does not directly change the encoded amino acid sequence of the CLCN1 protein. It affects a nucleotide within the consensus splice site. This variant is present in population databases (no rsID available, gnomAD 0.004%). This variant has not been reported in the literature in individuals affected with CLCN1-related conditions. ClinVar contains an entry for this variant (Variation ID: 1985839). Variants that disrupt the consensus splice site are a relatively common cause of aberrant splicing (PMID: 17576681, 9536098). Algorithms developed to predict the effect of sequence changes on RNA splicing suggest that this variant may create or strengthen a splice site. In summary, the available evidence is currently insufficient to determine the role of this variant in disease. Therefore, it has been classified as a Variant of Uncertain Significance.

Literature cited by the submitters: PubMed 17576681; PubMed 9536098.